The following is an entry in ClinVar:

ClinVar aggregate classification (germline): Likely benign (0 of 4 stars; one submission).

Conditions:
BHMT-related disorder. Also called: BHMT-related condition.

Allele frequency attached by ClinVar (database versions not stated): gnomAD exomes 0.00008; gnomAD 0.00011; TOPMed 0.00015; ExAC 0.00019.

Submission:

PreventionGenetics, part of Exact Sciences
Classification: Likely benign for BHMT-related condition. Last evaluated: 2023-01-03. Review status: no assertion criteria provided. Collection method: clinical testing. Allele origin: germline.
Comment: This variant is classified as likely benign based on ACMG/AMP sequence variant interpretation guidelines (Richards et al. 2015 PMID: 25741868, with internal and published modifications).

NM_001713.3(BHMT):c.767G>A (p.Cys256Tyr)

Gene: BHMT (betaine--homocysteine S-methyltransferase; plus strand). Cytogenetic location: 5q14.1.
Variant type: single nucleotide variant.
Coding change: c.767G>A on transcript NM_001713.3 (MANE Select); coding-DNA position 767, G replaced by A.
Protein change: p.Cys256Tyr; replaces cysteine 256 with tyrosine.
Molecular consequence: missense variant.
Genome position (GRCh38, 1-based): chr5:79,126,187, G>A. VCF-style: chr5-79126187-G-A. GRCh37 (hg19) VCF-style: chr5-78422010-G-A.
Other names: short protein forms C256Y.
Identifiers: ClinVar variation 3036866 (VCV003036866.2), dbSNP rs753107730, ClinGen allele CA3319682.